The following is an entry in ClinVar:

NM_021729.6(VPS11):c.1915G>T (p.Asp639Tyr)

Gene: VPS11 (VPS11 core subunit of CORVET and HOPS complexes; plus strand). Cytogenetic location: 11q23.3.
Variant type: single nucleotide variant.
Coding change: c.1915G>T on transcript NM_021729.6 (MANE Select); coding-DNA position 1915, G replaced by T.
Protein change: p.Asp639Tyr; replaces aspartic acid 639 with tyrosine.
Molecular consequence: missense variant. On other transcripts: non-coding transcript variant (8).
Genome position (GRCh38, 1-based): chr11:119,078,326, G>T. VCF-style: chr11-119078326-G-T. GRCh37 (hg19) VCF-style: chr11-118949036-G-T.
Other names: c.1885G>T, p.Asp629Tyr (NM_001290185.2); c.1927G>T, p.Asp643Tyr (NM_001378218.1, NM_001378219.1); c.1900G>T, p.Asp634Tyr (NM_001378220.1); c.1897G>T, p.Asp633Tyr (NM_001378221.1); short protein forms D629Y, D643Y, D633Y, D634Y, D639Y.
Identifiers: ClinVar variation 1971026 (VCV001971026.5), dbSNP rs2497340477, ClinGen allele CA382977148.

ClinVar aggregate classification (germline): Uncertain significance (1 of 4 stars; one submission).

Submission:

Labcorp Genetics (formerly Invitae), Labcorp
Classification: Uncertain significance. Last evaluated: 2023-07-10. Review status: criteria provided, single submitter. Criteria: Invitae Variant Classification Sherloc (09022015). Collection method: clinical testing. Allele origin: germline.
Comment: This sequence change replaces aspartic acid, which is acidic and polar, with tyrosine, which is neutral and polar, at codon 639 of the VPS11 protein (p.Asp639Tyr). This variant is not present in population databases (gnomAD no frequency). This variant has not been reported in the literature in individuals affected with VPS11-related conditions. ClinVar contains an entry for this variant (Variation ID: 1971026). Advanced modeling of protein sequence and biophysical properties (such as structural, functional, and spatial information, amino acid conservation, physicochemical variation, residue mobility, and thermodynamic stability) performed at Invitae indicates that this missense variant is expected to disrupt VPS11 protein function. In summary, the available evidence is currently insufficient to determine the role of this variant in disease. Therefore, it has been classified as a Variant of Uncertain Significance.